The following continues an entry in ClinVar:

NM_000059.4(BRCA2):c.3396A>G (p.Lys1132=)

Gene: BRCA2. ClinVar aggregate classification (germline): Benign. Benign (1). ClinVar aggregate classification (somatic clinical impact): Tier IV - Benign/Likely benign.

Submissions 22 to 35 of 35:

Women's Health and Genetics/Laboratory Corporation of America, LabCorp
Classification: Benign for Hereditary breast ovarian cancer syndrome. Last evaluated: 2013-12-20. Review status: criteria provided, single submitter. Criteria: LabCorp Variant Classification Summary - May 2015. Collection method: clinical testing. Allele origin: germline. Not counted in ClinVar's aggregate classification.

Breakthrough Genomics
Classification: Benign. Review status: criteria provided, single submitter. Criteria: ACMG Guidelines, 2015. Collection method: not provided. Allele origin: germline. Inheritance: Autosomal recessive inheritance. Affected: yes. Not counted in ClinVar's aggregate classification.

GreenArray Genomic Research & Solutions of Accurate Diagnostic Private Limited
Classification: Benign for Breast-ovarian cancer, familial, susceptibility to, 2. Review status: criteria provided, single submitter. Criteria: ACMG Guidelines, 2015. Collection method: clinical testing. Allele origin: germline. Affected: no. Not counted in ClinVar's aggregate classification.

PreventionGenetics, part of Exact Sciences
Classification: Benign. Review status: criteria provided, single submitter. Criteria: ACMG Guidelines, 2015. Collection method: clinical testing. Allele origin: germline. Not counted in ClinVar's aggregate classification.

Mayo Clinic Laboratories, Mayo Clinic
Classification: Benign. Last evaluated: 2016-11-28. Review status: no assertion criteria provided. Collection method: clinical testing. Allele origin: unknown. Not counted in ClinVar's aggregate classification.

Counsyl
Classification: Benign for Breast-ovarian cancer, familial 2. Last evaluated: 2014-01-02. Review status: no assertion criteria provided. Collection method: literature only. Allele origin: unknown. Inheritance: Autosomal dominant inheritance. Not counted in ClinVar's aggregate classification.
Comment: High frequency in a 1kG or ESP population: 30.7 %. This submission and the accompanying classification are no longer maintained by the submitter.

Sharing Clinical Reports Project (SCRP)
Classification: Benign for Breast-ovarian cancer, familial 2. Last evaluated: 2011-03-17. Review status: no assertion criteria provided. Collection method: clinical testing. Allele origin: germline. Not counted in ClinVar's aggregate classification.

Breast Cancer Information Core (BIC) (BRCA2)
Classification: Benign for Breast-ovarian cancer, familial 2. Last evaluated: 2004-02-20. Review status: no assertion criteria provided. Collection method: clinical testing. Allele origin: germline. Affected: yes. Observed: 240 variant alleles. Not counted in ClinVar's aggregate classification.

Clinical Genetics Laboratory, Department of Pathology, Netherlands Cancer Institute
Classification: Benign. Review status: no assertion criteria provided. Collection method: clinical testing. Allele origin: germline. Affected: yes. Study: VKGL Data-share Consensus. Not counted in ClinVar's aggregate classification.

Department of Pathology and Laboratory Medicine, Sinai Health System
Classification: Benign. Review status: no assertion criteria provided. Collection method: clinical testing. Allele origin: unknown. Affected: yes. Study: The Canadian Open Genetics Repository (COGR). Not counted in ClinVar's aggregate classification.

Diagnostic Laboratory, Department of Genetics, University Medical Center Groningen
Classification: Benign for Breast-ovarian cancer, familial, susceptibility to, 2. Review status: no assertion criteria provided. Collection method: clinical testing. Allele origin: germline. Affected: yes. Study: VKGL Data-share Consensus. Not counted in ClinVar's aggregate classification.

Faculté Pluridciplinaire Nador, Université Mohamed Premier
Classification: Tier IV - Benign/Likely benign for Familial cancer of breast. Review status: no assertion criteria provided. Collection method: research. Allele origin: somatic. Affected: yes.
Comment: The following databases and algorithms are used to annotate and evaluate the impact of the variant in the context of human disease: 1000 genomes, gnomAD, ClinVar, OMIM, dbSNP, NCIB RefSeq Genes, ExAC Gene Constraints, VS-SIFT, VS-PolyPhen2, PhyloP, GERP++, GeneSplicer, MaxEntScan, NNSplice, PWM Splice Predictor.

Genomic Research Center, Shahid Beheshti University of Medical Sciences
No classification provided. Condition: Familial cancer of breast. Review status: no classification provided. Collection method: not provided. Allele origin: somatic. Not counted in ClinVar's aggregate classification.
ClinVar note: Converted during submission from untested to not provided.

Joint Genome Diagnostic Labs from Nijmegen and Maastricht, Radboudumc and MUMC+
Classification: Benign. Review status: no assertion criteria provided. Collection method: clinical testing. Allele origin: germline. Affected: yes. Study: VKGL Data-share Consensus. Not counted in ClinVar's aggregate classification.

Literature cited by the submitters: DOI 10.3389/fgene.2022.834265 (cited by National Health Laboratory Service, Universitas Academic Hospital and University of the Free State); PubMed 36329109 (cited by Genetics Program, Instituto Nacional de Cancer); PubMed 12474142 (cited by Women's Health and Genetics/Laboratory Corporation of America, LabCorp); PubMed 18431501 (cited by Women's Health and Genetics/Laboratory Corporation of America, LabCorp).